The following is an entry in ClinVar:

ClinVar aggregate classification (germline): Uncertain significance (1 of 4 stars; one submission).

Submission:

Labcorp Genetics (formerly Invitae), Labcorp
Classification: Uncertain significance. Last evaluated: 2025-12-15. Review status: criteria provided, single submitter. Criteria: Invitae Variant Classification Sherloc (09022015). Collection method: clinical testing. Allele origin: germline.
Comment: This sequence change replaces cysteine, which is neutral and slightly polar, with phenylalanine, which is neutral and non-polar, at codon 131 of the PROM1 protein (p.Cys131Phe). This variant is not present in population databases (gnomAD no frequency). This variant has not been reported in the literature in individuals affected with PROM1-related conditions. ClinVar contains an entry for this variant (Variation ID: 1468138). Invitae Evidence Modeling of protein sequence and biophysical properties (such as structural, functional, and spatial information, amino acid conservation, physicochemical variation, residue mobility, and thermodynamic stability) indicates that this missense variant is not expected to disrupt PROM1 protein function with a negative predictive value of 80%. In summary, the available evidence is currently insufficient to determine the role of this variant in disease. Therefore, it has been classified as a Variant of Uncertain Significance.

NM_006017.3(PROM1):c.392G>T (p.Cys131Phe)

Gene: PROM1 (prominin 1; minus strand). Cytogenetic location: 4p15.32.
Variant type: single nucleotide variant.
Coding change: c.392G>T on transcript NM_006017.3 (MANE Select); coding-DNA position 392, G replaced by T.
Protein change: p.Cys131Phe; replaces cysteine 131 with phenylalanine.
Molecular consequence: missense variant.
Genome position (GRCh38, 1-based): chr4:16,033,421, C>A on the plus strand (G>T on the coding strand, the complement: PROM1 is on the minus strand). VCF-style: chr4-16033421-C-A. GRCh37 (hg19) VCF-style: chr4-16035044-C-A.
Other names: c.365G>T, p.Cys122Phe (NM_001145847.2, NM_001145848.2, NM_001145851.2 and 4 more transcripts); c.392G>T, p.Cys131Phe (NM_001145849.2, NM_001145850.2); short protein forms C131F, C122F.
Identifiers: ClinVar variation 1468138 (VCV001468138.6), dbSNP rs773950219, ClinGen allele CA356427739.
Genomic context (GRCh38, chr4:16,033,421, plus strand): 5'-CCATTTTCCTTCTGTCGCTGGTGCATTTCTCCACCACATTTGTTACAGCAACGACACATA[C>A]AAAAGAAATACCCCACCAGAGGCATCAGAATAATAAACAGCAGCCCCAGGACACAGCATA-3'
Protein context (NP_006008.1, residues 121-141): ILMPLVGYFF[Cys131Phe]MCRCCNKCGG